The following is an entry in ClinVar:

NM_013338.5(ALG5):c.6T>A (p.Ala2=)

Genes: ALG5 (ALG5 dolichyl-phosphate beta-glucosyltransferase; minus strand), LOC130009578 (ATAC-STARR-seq lymphoblastoid silent region 5270; plus strand). Cytogenetic location: 13q13.3.
Variant type: single nucleotide variant.
Coding change: c.6T>A on transcript NM_013338.5 (MANE Select); coding-DNA position 6, T replaced by A.
Protein change: p.Ala2=; no amino-acid change (alanine 2 retained).
Molecular consequence: synonymous variant.
Genome position (GRCh38, 1-based): chr13:36,999,295, A>T on the plus strand (T>A on the coding strand, the complement: ALG5 is on the minus strand). VCF-style: chr13-36999295-A-T. GRCh37 (hg19) VCF-style: chr13-37573432-A-T.
Other names: c.6T>A, p.Ala2= (NM_001142364.1).
Identifiers: ClinVar variation 3346692 (VCV003346692.1).

ClinVar aggregate classification (germline): Likely benign (0 of 4 stars; one submission).

Conditions:
ALG5-related disorder. Also called: ALG5-related condition.

Submission:

PreventionGenetics, part of Exact Sciences
Classification: Likely benign for ALG5-related condition. Last evaluated: 2024-05-02. Review status: no assertion criteria provided. Collection method: clinical testing. Allele origin: germline.
Comment: This variant is classified as likely benign based on ACMG/AMP sequence variant interpretation guidelines (Richards et al. 2015 PMID: 25741868, with internal and published modifications).